The following is an entry in ClinVar:

NM_012082.4(ZFPM2):c.1359A>C (p.Arg453Ser)

Genes: ZFPM2 (zinc finger protein, FOG family member 2; plus strand), ZFPM2-AS1 (ZFPM2 antisense RNA 1; minus strand). Cytogenetic location: 8q23.1.
Variant type: single nucleotide variant.
Coding change: c.1359A>C on transcript NM_012082.4 (MANE Select); coding-DNA position 1359, A replaced by C.
Protein change: p.Arg453Ser; replaces arginine 453 with serine.
Molecular consequence: missense variant.
Genome position (GRCh38, 1-based): chr8:105,801,441, A>C. VCF-style: chr8-105801441-A-C. GRCh37 (hg19) VCF-style: chr8-106813669-A-C.
Other names: c.1200A>C, p.Arg400Ser (NM_001362836.2); c.963A>C, p.Arg321Ser (NM_001362837.2); short protein forms R321S, R453S, R400S.
Identifiers: ClinVar variation 3644679 (VCV003644679.2).

ClinVar aggregate classification (germline): Uncertain significance (1 of 4 stars; one submission).

Conditions:
46,XY sex reversal 9 (SRXY9). Also called: 46,XY SEX REVERSAL, ZFPM2-RELATED. Identifiers: Orphanet 251510, MedGen C4015129, MONDO:0014480, OMIM 616067.

Submission:

Labcorp Genetics (formerly Invitae), Labcorp
Classification: Uncertain significance for 46,XY sex reversal 9. Last evaluated: 2024-03-26. Review status: criteria provided, single submitter. Criteria: Invitae Variant Classification Sherloc (09022015). Collection method: clinical testing. Allele origin: germline.
Comment: This sequence change replaces arginine, which is basic and polar, with serine, which is neutral and polar, at codon 453 of the ZFPM2 protein (p.Arg453Ser). This variant is not present in population databases (gnomAD no frequency). This variant has not been reported in the literature in individuals affected with ZFPM2-related conditions. An algorithm developed to predict the effect of missense changes on protein structure and function (PolyPhen-2) suggests that this variant is likely to be tolerated. In summary, the available evidence is currently insufficient to determine the role of this variant in disease. Therefore, it has been classified as a Variant of Uncertain Significance.